The following is an entry in ClinVar:

ClinVar aggregate classification (germline): Uncertain significance (1 of 4 stars; one submission).

Conditions:
CTR9-related motor delay and macrocephaly.

Submission:

3billion
Classification: Uncertain significance for CTR9-related motor delay and macrocephaly. Last evaluated: 2024-07-09. Review status: criteria provided, single submitter. Criteria: ACMG Guidelines, 2015. Collection method: clinical testing. Allele origin: germline. Affected: yes.
Comment: The variant is not observed in the gnomAD v4.0.0 dataset. Predicted Consequence/Location: Missense changes are a common disease-causing mechanism. In silico tool predictions suggest damaging effect of the variant on gene or gene product [REVEL: 0.24 (>=0.6, sensitivity 0.68 and specificity 0.92); 3Cnet: 0.96 (>=0.6, sensitivity 0.72 and precision 0.9)]. Therefore, this variant is classified as VUS according to the recommendation of ACMG/AMP guideline.

NM_014633.5(CTR9):c.177G>T (p.Glu59Asp)

Gene: CTR9 (CTR9 component of Paf1/RNA polymerase II complex; plus strand). Cytogenetic location: 11p15.4.
Variant type: single nucleotide variant.
Coding change: c.177G>T on transcript NM_014633.5 (MANE Select); coding-DNA position 177, G replaced by T.
Protein change: p.Glu59Asp; replaces glutamic acid 59 with aspartic acid.
Molecular consequence: missense variant.
Genome position (GRCh38, 1-based): chr11:10,754,990, G>T. VCF-style: chr11-10754990-G-T. GRCh37 (hg19) VCF-style: chr11-10776537-G-T.
Other names: c.177G>T, p.Glu59Asp (NM_001346279.2); short protein forms E59D.
Identifiers: ClinVar variation 4293234 (VCV004293234.1).